The following is an entry in ClinVar:

NM_017612.5(ZCCHC8):c.1042G>A (p.Val348Ile)

Gene: ZCCHC8 (zinc finger CCHC-type containing 8; minus strand). Cytogenetic location: 12q24.31.
Variant type: single nucleotide variant.
Coding change: c.1042G>A on transcript NM_017612.5 (MANE Select); coding-DNA position 1042, G replaced by A.
Protein change: p.Val348Ile; replaces valine 348 with isoleucine.
Molecular consequence: missense variant.
Genome position (GRCh38, 1-based): chr12:122,480,288, C>T on the plus strand (G>A on the coding strand, the complement: ZCCHC8 is on the minus strand). VCF-style: chr12-122480288-C-T. GRCh37 (hg19) VCF-style: chr12-122964835-C-T.
Other names: c.811G>A, p.Val271Ile (NM_001350935.2); c.745G>A, p.Val249Ile (NM_001350936.2); c.328G>A, p.Val110Ile (NM_001350937.2, NM_001350938.2); short protein forms V348I, V110I, V249I, V271I.
Identifiers: ClinVar variation 3472769 (VCV003472769.3).

ClinVar aggregate classification (germline): Conflicting classifications of pathogenicity. Review status: criteria provided, conflicting classifications (1 of 4 stars). 2 submissions from 2 submitters: Uncertain significance (1); Likely benign (1). Last evaluated 2024-11-11.

gnomAD v4.1: 3 of 1,610,226 alleles (0.00019%); highest among the groups gnomAD compares: Non-Finnish European, 0.00025%; no homozygotes.

Submissions (2):

Ambry Genetics
Classification: Likely benign. Last evaluated: 2024-11-11. Review status: criteria provided, single submitter. Criteria: Ambry Variant Classification Scheme 2023. Collection method: clinical testing. Allele origin: germline.

Labcorp Genetics (formerly Invitae), Labcorp
Classification: Uncertain significance. Last evaluated: 2024-07-24. Review status: criteria provided, single submitter. Criteria: Invitae Variant Classification Sherloc (09022015). Collection method: clinical testing. Allele origin: germline.
Comment: This sequence change replaces valine, which is neutral and non-polar, with isoleucine, which is neutral and non-polar, at codon 348 of the ZCCHC8 protein (p.Val348Ile). This variant is present in population databases (rs753218541, gnomAD 0.003%). This variant has not been reported in the literature in individuals affected with ZCCHC8-related conditions. Advanced modeling of protein sequence and biophysical properties (such as structural, functional, and spatial information, amino acid conservation, physicochemical variation, residue mobility, and thermodynamic stability) performed at Invitae indicates that this missense variant is not expected to disrupt ZCCHC8 protein function with a negative predictive value of 80%. In summary, the available evidence is currently insufficient to determine the role of this variant in disease. Therefore, it has been classified as a Variant of Uncertain Significance.